The following is an entry in ClinVar:

NM_005881.4(BCKDK):c.1159C>T (p.Gln387Ter)

Gene: BCKDK (branched chain keto acid dehydrogenase kinase; plus strand). Cytogenetic location: 16p11.2.
Variant type: single nucleotide variant.
Coding change: c.1159C>T on transcript NM_005881.4 (MANE Select); coding-DNA position 1159, C replaced by T.
Protein change: p.Gln387Ter; replaces glutamine 387 with a stop codon.
Molecular consequence: nonsense. On other transcripts: 3 prime UTR variant (2).
Genome position (GRCh38, 1-based): chr16:31,112,185, C>T. VCF-style: chr16-31112185-C-T. GRCh37 (hg19) VCF-style: chr16-31123506-C-T.
Other names: c.1159C>T (NM_005881.3); c.*154C>T (NM_001122957.4, NM_001271926.3); short protein forms Q387*.
Identifiers: ClinVar variation 1697225 (VCV001697225.5), dbSNP rs1035318937, ClinGen allele CA280572714.

ClinVar aggregate classification (germline): Conflicting classifications of pathogenicity. Review status: criteria provided, conflicting classifications (1 of 4 stars). 3 submissions from 3 submitters: Pathogenic (1); Likely pathogenic (1); Uncertain significance (1). Last evaluated 2025-06-10.

Conditions:
Branched-chain keto acid dehydrogenase kinase deficiency (BCKDKD). Also called: BCKDK DEFICIENCY. Identifiers: Orphanet 308410, MedGen C3554078, MONDO:0013970, OMIM 614923.

Allele frequency attached by ClinVar (database versions not stated): gnomAD 0.00001; gnomAD exomes 0.00001; TOPMed 0.00002.
gnomAD v4.1: 23 of 1,612,936 alleles (0.0014%); highest among the groups gnomAD compares: Non-Finnish European, 0.0018%; no homozygotes.

Submissions (3):

GeneDx
Classification: Likely pathogenic. Last evaluated: 2025-06-10. Review status: criteria provided, single submitter. Criteria: GeneDx Variant Classification Process June 2021. Collection method: clinical testing. Allele origin: germline. Affected: yes.
Comment: Nonsense variant predicted to result in protein truncation as the last 26 amino acid(s) are lost; Not observed at significant frequency in large population cohorts (gnomAD); This variant is associated with the following publications: (PMID: 38180615)

Blueprint Genetics
Classification: Uncertain significance. Last evaluated: 2022-09-16. Review status: criteria provided, single submitter. Criteria: ACMG Guidelines, 2015. Collection method: clinical testing. Allele origin: germline.

Laboratory of Human Genetics, Universidade de São Paulo
Classification: Pathogenic for Branched-chain keto acid dehydrogenase kinase deficiency. Last evaluated: 2022-05-13. Review status: criteria provided, single submitter. Criteria: ACMG Guidelines, 2015. Collection method: research. Allele origin: biparental. Affected: yes.
Comment: This variant meets our criteria to be classified as pathogenic based upon segregation studies, extremely low frequency, and in-silico evaluation of pathogenicity.